The following is an entry in ClinVar:

ClinVar aggregate classification (germline): Uncertain significance (1 of 4 stars; one submission).

Conditions:
BAP1-related tumor predisposition syndrome (TPDS1). Also called: BAP1 tumor predisposition syndrome; Tumor susceptibility linked to germline BAP1 mutations; TUMOR PREDISPOSITION SYNDROME 1; COMMON Syndrome. Identifiers: Orphanet 289539, MedGen C3280492, MONDO:0013692, OMIM 614327.

Submission:

Labcorp Genetics (formerly Invitae), Labcorp
Classification: Uncertain significance for BAP1-related tumor predisposition syndrome. Last evaluated: 2021-12-26. Review status: criteria provided, single submitter. Criteria: Invitae Variant Classification Sherloc (09022015). Collection method: clinical testing. Allele origin: germline.
Comment: A copy number gain of the genomic region encompassing the full coding sequence of the BAP1 gene has been identified. The boundaries of this event are unknown as they extend beyond the assayed region for this gene and therefore may encompass additional genes. As the precise location of this event is unknown, it may be in tandem or it may be located elsewhere in the genome. This variant has not been reported in the literature in individuals affected with BAP1-related conditions. Experimental studies and prediction algorithms are not available or were not evaluated, and the functional significance of this variant is currently unknown. In summary, the available evidence is currently insufficient to determine the role of this variant in disease. Therefore, it has been classified as a Variant of Uncertain Significance.

NC_000003.11:g.(?_52433063)_(52443894_?)dup

Genes: BAP1 (BRCA1 associated deubiquitinase 1; minus strand), DNAH1 (dynein axonemal heavy chain 1; plus strand). Cytogenetic location: 3p21.1.
Variant type: Duplication.
Identifiers: ClinVar variation 1411270 (VCV001411270.6).